The following is an entry in ClinVar:

ClinVar aggregate classification (germline): Likely benign (1 of 4 stars; one submission).

Conditions:
NTRK3-related disorder. Also called: NTRK3-related condition.

gnomAD v4.1: 135 of 1,612,884 alleles (0.0084%); highest among the groups gnomAD compares: Non-Finnish European, 0.011%; no homozygotes.

Submission:

PreventionGenetics, part of Exact Sciences
Classification: Likely benign for NTRK3-related condition. Last evaluated: 2026-01-06. Review status: criteria provided, single submitter. Criteria: ACMG Guidelines, 2015. Collection method: clinical testing. Allele origin: germline.
Comment: This variant is classified as likely benign based on ACMG/AMP sequence variant interpretation guidelines (Richards et al. 2015 PMID: 25741868, with internal and published modifications).

NM_001012338.3(NTRK3):c.222G>A (p.Thr74=)

Genes: NTRK3 (neurotrophic receptor tyrosine kinase 3; minus strand), NTRK3-AS1 (NTRK3 antisense RNA 1; plus strand). Cytogenetic location: 15q25.3.
Variant type: single nucleotide variant.
Coding change: c.222G>A on transcript NM_001012338.3 (MANE Select); coding-DNA position 222, G replaced by A.
Protein change: p.Thr74=; no amino-acid change (threonine 74 retained).
Molecular consequence: synonymous variant.
Genome position (GRCh38, 1-based): chr15:88,255,932, C>T on the plus strand (G>A on the coding strand, the complement: NTRK3 is on the minus strand). VCF-style: chr15-88255932-C-T. GRCh37 (hg19) VCF-style: chr15-88799163-C-T.
Other names: c.222G>A, p.Thr74= (NM_001007156.3, NM_001243101.2, NM_001320134.1 and 6 more transcripts).
Identifiers: ClinVar variation 4979727 (VCV004979727.1).